The following is an entry in ClinVar:

NM_001282531.3(ADNP):c.1180C>G (p.Leu394Val)

Gene: ADNP (activity dependent neuroprotector homeobox; minus strand). Cytogenetic location: 20q13.13.
Variant type: single nucleotide variant.
Coding change: c.1180C>G on transcript NM_001282531.3 (MANE Select); coding-DNA position 1180, C replaced by G.
Protein change: p.Leu394Val; replaces leucine 394 with valine.
Molecular consequence: missense variant.
Genome position (GRCh38, 1-based): chr20:50,893,534, G>C on the plus strand (C>G on the coding strand, the complement: ADNP is on the minus strand). VCF-style: chr20-50893534-G-C. GRCh37 (hg19) VCF-style: chr20-49510071-G-C.
Other names: c.1180C>G, p.Leu394Val (NM_001347511.2, NM_015339.5, NM_181442.4 and 1 more transcripts); short protein forms L394V.
Identifiers: ClinVar variation 1030496 (VCV001030496.1), dbSNP rs143474358, ClinGen allele CA408974347.

ClinVar aggregate classification (germline): Uncertain significance (1 of 4 stars; one submission).

Conditions:
ADNP-related multiple congenital anomalies - intellectual disability - autism spectrum disorder. Also called: ADNP-Related Helsmoortel-Van der Aa Syndrome; Helsmoortel-Van der Aa Syndrome. Identifiers: Orphanet 404448, MedGen C4014538, MONDO:0014379, OMIM 615873. Disease mechanism: loss of function.

Allele frequency attached by ClinVar (database versions not stated): gnomAD exomes below 0.00001.
gnomAD v4.1: 1 of 1,613,876 alleles (0.000062%); highest among the groups gnomAD compares: Non-Finnish European, 0.000085%; no homozygotes.

Submission:

Baylor Genetics
Classification: Uncertain significance for ADNP-related multiple congenital anomalies - intellectual disability - autism spectrum disorder. Last evaluated: 2019-11-20. Review status: criteria provided, single submitter. Criteria: ACMG Guidelines, 2015. Collection method: clinical testing. Allele origin: unknown. Affected: yes.
Comment: This variant was determined to be of uncertain significance according to ACMG Guidelines, 2015 [PMID:25741868].